The following is an entry in ClinVar:

NM_015915.5(ATL1):c.1322T>G (p.Ile441Ser)

Gene: ATL1 (atlastin GTPase 1; plus strand). Cytogenetic location: 14q22.1.
Variant type: single nucleotide variant.
Coding change: c.1322T>G on transcript NM_015915.5 (MANE Select); coding-DNA position 1322, T replaced by G.
Protein change: p.Ile441Ser; replaces isoleucine 441 with serine.
Molecular consequence: missense variant.
Genome position (GRCh38, 1-based): chr14:50,628,233, T>G. VCF-style: chr14-50628233-T-G. GRCh37 (hg19) VCF-style: chr14-51094951-T-G.
Other names: c.1322T>G, p.Ile441Ser (NM_001127713.1, NM_181598.4); short protein forms I441S.
Identifiers: ClinVar variation 964219 (VCV000964219.12), dbSNP rs2039541164, ClinGen allele CA389676039.
Genomic context (GRCh38, chr14:50,628,233, plus strand): 5'-TGGAGAGTGAAATAGATGAACTTTACATCCAATATATCAAGCACAATGATAGCAAAAATA[T>G]CTTCCATGCAGCTCGTACCCCAGCCACACTGTTTGTAGTCATCTTTATCACATATGTGAT-3'
Protein context (NP_056999.2, residues 431-451): QYIKHNDSKN[Ile441Ser]FHAARTPATL

ClinVar aggregate classification (germline): Conflicting classifications of pathogenicity. Review status: criteria provided, conflicting classifications (1 of 4 stars). 3 submissions from 3 submitters: Likely pathogenic (1); Uncertain significance (2). Last evaluated 2026-02-09.

Conditions:
Hereditary spastic paraplegia 3A (SPG3A). Also called: SPASTIC PARAPLEGIA 3, AUTOSOMAL DOMINANT; FAMILIAL SPASTIC PARAPLEGIA, AUTOSOMAL DOMINANT, 1; SPG3; STRUMPELL DISEASE; Spastic Paraplegia 3A; Spastic paraplegia 3A, autosomal dominant. Identifiers: Orphanet 100984, MedGen C2931355, MONDO:0008437, OMIM 182600.

Submissions (3):

GeneDx
Classification: Likely pathogenic. Last evaluated: 2026-02-09. Review status: criteria provided, single submitter. Criteria: GeneDx Variant Classification Process June 2021. Collection method: clinical testing. Allele origin: germline.
Comment: In silico analysis supports that this missense variant has a deleterious effect on protein structure/function; Has not been previously published as pathogenic or benign to our knowledge; Not observed at significant frequency in large population cohorts (gnomAD); This variant is associated with the following publications: (PMID: 34418069)

Athena Diagnostics
Classification: Uncertain significance. Last evaluated: 2020-08-28. Review status: criteria provided, single submitter. Criteria: Athena Diagnostics criteria. Collection method: clinical testing. Allele origin: unknown.

Labcorp Genetics (formerly Invitae), Labcorp
Classification: Uncertain significance for Hereditary spastic paraplegia 3A. Last evaluated: 2020-03-06. Review status: criteria provided, single submitter. Criteria: Invitae Variant Classification Sherloc (09022015). Collection method: clinical testing. Allele origin: germline.
Comment: In summary, the available evidence is currently insufficient to determine the role of this variant in disease. Therefore, it has been classified as a Variant of Uncertain Significance. Algorithms developed to predict the effect of missense changes on protein structure and function (SIFT, PolyPhen-2, Align-GVGD) all suggest that this variant is likely to be disruptive, but these predictions have not been confirmed by published functional studies and their clinical significance is uncertain. This variant has not been reported in the literature in individuals with ATL1-related conditions. This variant is not present in population databases (ExAC no frequency). This sequence change replaces isoleucine with serine at codon 441 of the ATL1 protein (p.Ile441Ser). The isoleucine residue is highly conserved and there is a large physicochemical difference between isoleucine and serine.